The following is an entry in ClinVar:

ClinVar aggregate classification (germline): Uncertain significance (1 of 4 stars; one submission).

Submission:

Labcorp Genetics (formerly Invitae), Labcorp
Classification: Uncertain significance. Last evaluated: 2022-10-31. Review status: criteria provided, single submitter. Criteria: Invitae Variant Classification Sherloc (09022015). Collection method: clinical testing. Allele origin: germline.
Comment: A copy number gain of the genomic region encompassing the full coding sequence of the NSDHL gene has been identified. The boundaries of this event are unknown as they extend beyond the assayed region for this gene and therefore may encompass additional genes. As the precise location of this event is unknown, it may be in tandem or it may be located elsewhere in the genome. Isolated whole-gene copy number gains of NSDHL have not been reported in the literature. However, larger copy number events that include this gene have been reported (PMID: 30376821). In summary, the available evidence is currently insufficient to determine the role of this variant in disease. Therefore, it has been classified as a Variant of Uncertain Significance.

Literature cited by the submitters: PubMed 30376821.

NC_000023.10:g.(?_152014869)_(152037660_?)dup

Gene: NSDHL (NAD(P) dependent steroid dehydrogenase-like; plus strand). Cytogenetic location: Xq28.
Variant type: Duplication.
Identifiers: ClinVar variation 2426244 (VCV002426244.3).